The following is an entry in ClinVar:

NM_007194.4(CHEK2):c.723A>C (p.Lys241Asn)

Gene: CHEK2 (checkpoint kinase 2; minus strand). Cytogenetic location: 22q12.1.
Variant type: single nucleotide variant.
Coding change: c.723A>C on transcript NM_007194.4 (MANE Select); coding-DNA position 723, A replaced by C.
Protein change: p.Lys241Asn; replaces lysine 241 with asparagine.
Molecular consequence: missense variant.
Genome position (GRCh38, 1-based): chr22:28,711,978, T>G on the plus strand (A>C on the coding strand, the complement: CHEK2 is on the minus strand). VCF-style: chr22-28711978-T-G. GRCh37 (hg19) VCF-style: chr22-29107966-T-G.
Other names: c.852A>C, p.Lys284Asn (NM_001005735.3); c.60A>C, p.Lys20Asn (NM_001257387.3); c.522A>C, p.Lys174Asn (NM_001349956.3); c.723A>C, p.Lys241Asn (NM_145862.3); short protein forms K241N, K174N, K20N, K284N.
Identifiers: ClinVar variation 1436019 (VCV001436019.8), dbSNP rs1023861689, ClinGen allele CA323022298.

ClinVar aggregate classification (germline): Uncertain significance. Review status: criteria provided, multiple submitters, no conflicts (2 of 4 stars). 3 submissions from 3 submitters: Uncertain significance (3). Last evaluated 2025-08-04.

Conditions:
Hereditary cancer-predisposing syndrome. Also called: Neoplastic Syndromes, Hereditary; Hereditary Cancer Syndrome; Hereditary neoplastic syndrome; Tumor predisposition. Identifiers: Orphanet 140162, MedGen C0027672, MeSH D009386, MONDO:0015356.
Familial cancer of breast. Also called: hereditary breast carcinoma; BREAST CANCER, FAMILIAL; Hereditary breast cancer. Identifiers: Orphanet 227535, MedGen C0346153, MONDO:0016419, OMIM 114480. Disease mechanism: loss of function.

Allele frequency attached by ClinVar (database versions not stated): TOPMed below 0.00001; gnomAD 0.00001.
gnomAD v4.1: 1 of 1,613,914 alleles (0.000062%); highest among the groups gnomAD compares: African/African-American, 0.0013%; no homozygotes.

Submissions (3):

Color Diagnostics, LLC DBA Color Health
Classification: Uncertain significance for Hereditary cancer-predisposing syndrome. Last evaluated: 2025-08-04. Review status: criteria provided, single submitter. Criteria: ACMG Guidelines, 2015. Collection method: clinical testing. Allele origin: germline.
Comment: This missense variant replaces lysine with asparagine at codon 241 of the CHEK2 protein. Computational prediction suggests that this variant may not impact protein structure and function. To our knowledge, functional studies have not been reported for this variant. This variant has not been reported in individuals affected with CHEK2-related disorders in the literature. This variant has been identified in 1/31404 chromosomes in the general population by the Genome Aggregation Database (gnomAD). The available evidence is insufficient to determine the role of this variant in disease conclusively. Therefore, this variant is classified as a Variant of Uncertain Significance.

Ambry Genetics
Classification: Uncertain significance for Hereditary cancer-predisposing syndrome. Last evaluated: 2025-03-06. Review status: criteria provided, single submitter. Criteria: Ambry Variant Classification Scheme 2023. Collection method: clinical testing. Allele origin: germline.
Comment: The p.K241N variant (also known as c.723A>C), located in coding exon 5 of the CHEK2 gene, results from an A to C substitution at nucleotide position 723. The lysine at codon 241 is replaced by asparagine, an amino acid with similar properties. This amino acid position is conserved. In addition, this alteration is predicted to be tolerated by in silico analysis. Based on the available evidence, the clinical significance of this variant remains unclear.

Labcorp Genetics (formerly Invitae), Labcorp
Classification: Uncertain significance for Familial cancer of breast. Last evaluated: 2021-09-10. Review status: criteria provided, single submitter. Criteria: Invitae Variant Classification Sherloc (09022015). Collection method: clinical testing. Allele origin: germline.
Comment: This sequence change replaces lysine with asparagine at codon 241 of the CHEK2 protein (p.Lys241Asn). The lysine residue is moderately conserved and there is a moderate physicochemical difference between lysine and asparagine. In summary, the available evidence is currently insufficient to determine the role of this variant in disease. Therefore, it has been classified as a Variant of Uncertain Significance. Algorithms developed to predict the effect of missense changes on protein structure and function (SIFT, PolyPhen-2, Align-GVGD) all suggest that this variant is likely to be tolerated. This variant has not been reported in the literature in individuals affected with CHEK2-related conditions. This variant is not present in population databases (ExAC no frequency).